The following is an entry in ClinVar:

NM_015512.5(DNAH1):c.1387G>A (p.Glu463Lys)

Gene: DNAH1 (dynein axonemal heavy chain 1; plus strand). Cytogenetic location: 3p21.1.
Variant type: single nucleotide variant.
Coding change: c.1387G>A on transcript NM_015512.5 (MANE Select); coding-DNA position 1387, G replaced by A.
Protein change: p.Glu463Lys; replaces glutamic acid 463 with lysine.
Molecular consequence: missense variant.
Genome position (GRCh38, 1-based): chr3:52,344,590, G>A. VCF-style: chr3-52344590-G-A. GRCh37 (hg19) VCF-style: chr3-52378606-G-A.
Other names: short protein forms E463K.
Identifiers: ClinVar variation 2149936 (VCV002149936.3), dbSNP rs200250561, ClinGen allele CA2432961.
Genomic context (GRCh38, chr3:52,344,590, plus strand): 5'-CTGGACTATGAGCGCAGCATGAACAAGATCAACTTTGACCACGTTGTCTCTTCCAAGCCC[G>A]AGACCTTCTCCTACGTCACCCTCCCCAAGAAGGAGGAGGAGCAGGTGCCTGAGCGAGGTG-3'
Protein context (NP_056327.4, residues 453-473): NFDHVVSSKP[Glu463Lys]TFSYVTLPKK

ClinVar aggregate classification (germline): Uncertain significance (1 of 4 stars; one submission).

Conditions:
Spermatogenic failure 18. Identifiers: MedGen C4539783, MONDO:0054615, OMIM 617576.
Ciliary dyskinesia, primary, 37 (CILD37). Also called: CILIARY DYSKINESIA, PRIMARY, 37, WITH OR WITHOUT SITUS INVERSUS. Identifiers: MedGen C4539798, MONDO:0033204, OMIM 617577.

Allele frequency attached by ClinVar (database versions not stated): ExAC 0.00003; gnomAD exomes 0.00003; gnomAD 0.00004; TOPMed 0.00005; ESP Exome Variant Server 0.00008; 1000 Genomes Project 30x 0.00016; 1000 Genomes Project 0.00020.
gnomAD v4.1: 55 of 1,613,974 alleles (0.0034%); highest among the groups gnomAD compares: African/African-American, 0.008%; no homozygotes.

Submission:

Labcorp Genetics (formerly Invitae), Labcorp
Classification: Uncertain significance for Ciliary dyskinesia, primary, 37; Spermatogenic failure 18. Last evaluated: 2022-02-03. Review status: criteria provided, single submitter. Criteria: Invitae Variant Classification Sherloc (09022015). Collection method: clinical testing. Allele origin: germline.
Comment: This variant is present in population databases (rs200250561, gnomAD 0.01%). In summary, the available evidence is currently insufficient to determine the role of this variant in disease. Therefore, it has been classified as a Variant of Uncertain Significance. Algorithms developed to predict the effect of missense changes on protein structure and function are either unavailable or do not agree on the potential impact of this missense change (SIFT: "Deleterious"; PolyPhen-2: "Benign"; Align-GVGD: "Class C0"). This variant has not been reported in the literature in individuals affected with DNAH1-related conditions. This sequence change replaces glutamic acid, which is acidic and polar, with lysine, which is basic and polar, at codon 463 of the DNAH1 protein (p.Glu463Lys).